The following is an entry in ClinVar:

NM_000301.5(PLG):c.2356C>T (p.Arg786Cys)

Gene: PLG (plasminogen; plus strand). Cytogenetic location: 6q26.
Variant type: single nucleotide variant.
Coding change: c.2356C>T on transcript NM_000301.5 (MANE Select); coding-DNA position 2356, C replaced by T.
Protein change: p.Arg786Cys; replaces arginine 786 with cysteine.
Molecular consequence: missense variant.
Genome position (GRCh38, 1-based): chr6:160,752,984, C>T. VCF-style: chr6-160752984-C-T. GRCh37 (hg19) VCF-style: chr6-161174016-C-T.
Other names: short protein forms R786C.
Identifiers: ClinVar variation 2060526 (VCV002060526.5), dbSNP rs200857824, ClinGen allele CA4088057.

ClinVar aggregate classification (germline): Uncertain significance. Review status: criteria provided, multiple submitters, no conflicts (2 of 4 stars). 2 submissions from 2 submitters: Uncertain significance (2). Last evaluated 2025-12-22.

Conditions:
Angioedema, hereditary, 4. Identifiers: MedGen C5543503, MONDO:0025712, OMIM 619360.
Plasminogen deficiency, type I. Also called: Hypoplasminogenemia; Type 1 plasminogen deficiency. Identifiers: Orphanet 722, MedGen C1968804, MONDO:0009009, OMIM 217090.

Allele frequency attached by ClinVar (database versions not stated): ExAC 0.00017; TOPMed 0.00017; gnomAD 0.00021.
gnomAD v4.1: 226 of 1,610,034 alleles (0.014%); highest among the groups gnomAD compares: Middle Eastern, 0.099%; no homozygotes.

Submissions (2):

Labcorp Genetics (formerly Invitae), Labcorp
Classification: Uncertain significance. Last evaluated: 2025-12-22. Review status: criteria provided, single submitter. Criteria: Invitae Variant Classification Sherloc (09022015). Collection method: clinical testing. Allele origin: germline.
Comment: This sequence change replaces arginine, which is basic and polar, with cysteine, which is neutral and slightly polar, at codon 786 of the PLG protein (p.Arg786Cys). This variant is present in population databases (rs200857824, gnomAD 0.02%). This variant has not been reported in the literature in individuals affected with PLG-related conditions. ClinVar contains an entry for this variant (Variation ID: 2060526). Invitae Evidence Modeling of protein sequence and biophysical properties (such as structural, functional, and spatial information, amino acid conservation, physicochemical variation, residue mobility, and thermodynamic stability) indicates that this missense variant is not expected to disrupt PLG protein function with a negative predictive value of 80%. In summary, the available evidence is currently insufficient to determine the role of this variant in disease. Therefore, it has been classified as a Variant of Uncertain Significance.

Fulgent Genetics
Classification: Uncertain significance for Plasminogen deficiency, type I; Angioedema, hereditary, 4. Last evaluated: 2024-03-20. Review status: criteria provided, single submitter. Criteria: ACMG Guidelines, 2015. Collection method: clinical testing. Allele origin: germline.